The following is an entry in ClinVar:

NM_005068.3(SIM1):c.1286A>G (p.Gln429Arg)

Genes: SIM1 (SIM bHLH transcription factor 1; minus strand), SIM1-AS1 (SIM1 antisense RNA 1; plus strand). Cytogenetic location: 6q16.3.
Variant type: single nucleotide variant.
Coding change: c.1286A>G on transcript NM_005068.3 (MANE Select); coding-DNA position 1286, A replaced by G.
Protein change: p.Gln429Arg; replaces glutamine 429 with arginine.
Molecular consequence: missense variant. On other transcripts: non-coding transcript variant (1).
Genome position (GRCh38, 1-based): chr6:100,393,771, T>C on the plus strand (A>G on the coding strand, the complement: SIM1 is on the minus strand). VCF-style: chr6-100393771-T-C. GRCh37 (hg19) VCF-style: chr6-100841647-T-C.
Other names: c.1286A>G, p.Gln429Arg (NM_001374769.1); short protein forms Q429R.
Identifiers: ClinVar variation 3350050 (VCV003350050.1).

ClinVar aggregate classification (germline): Uncertain significance (0 of 4 stars; one submission).

Conditions:
SIM1-related disorder. Also called: SIM1-related condition; SIM1-related disorders.

Submission:

PreventionGenetics, part of Exact Sciences
Classification: Uncertain significance for SIM1-related condition. Last evaluated: 2024-08-07. Review status: no assertion criteria provided. Collection method: clinical testing. Allele origin: germline.
Comment: The SIM1 c.1286A>G variant is predicted to result in the amino acid substitution p.Gln429Arg. To our knowledge, this variant has not been reported in the literature. This variant is reported in 0.0062% of alleles in individuals of African descent in gnomAD. At this time, the clinical significance of this variant is uncertain due to the absence of conclusive functional and genetic evidence.